The following is an entry in ClinVar:

NM_005677.4(COLQ):c.1195+1G>T

Gene: COLQ (collagen like tail subunit of asymmetric acetylcholinesterase; minus strand). Cytogenetic location: 3p25.1.
Variant type: single nucleotide variant.
Coding change: c.1195+1G>T on transcript NM_005677.4 (MANE Select); the canonical splice donor site of the intron after coding-DNA position 1195, G replaced by T.
Molecular consequence: splice donor variant.
Genome position (GRCh38, 1-based): chr3:15,455,898, C>A on the plus strand (G>T on the coding strand, the complement: COLQ is on the minus strand). VCF-style: chr3-15455898-C-A. GRCh37 (hg19) VCF-style: chr3-15497405-C-A.
Other names: c.1093+1G>T (NM_080539.4); c.1165+1G>T (NM_080538.2).
Identifiers: ClinVar variation 4798826 (VCV004798826.1).

ClinVar aggregate classification (germline): Pathogenic (1 of 4 stars; one submission).

Conditions:
Congenital myasthenic syndrome 5. Identifiers: Orphanet 590, MedGen C1864233, MONDO:0011281, OMIM 603034.

gnomAD v4.1: 17 of 1,614,048 alleles (0.0011%); highest among the groups gnomAD compares: Admixed American, 0.0017%; no homozygotes.

Submission:

Labcorp Genetics (formerly Invitae), Labcorp
Classification: Pathogenic for Congenital myasthenic syndrome 5. Last evaluated: 2025-04-13. Review status: criteria provided, single submitter. Criteria: Invitae Variant Classification Sherloc (09022015). Collection method: clinical testing. Allele origin: germline.
Comment: This sequence change affects a donor splice site in intron 15 of the COLQ gene. It is expected to disrupt RNA splicing. Variants that disrupt the donor or acceptor splice site typically lead to a loss of protein function (PMID: 16199547), and loss-of-function variants in COLQ are known to be pathogenic (PMID: 22678886). This variant is not present in population databases (gnomAD no frequency). Disruption of this splice site has been observed in individuals with congenital myasthenic syndrome (PMID: 10665486, 16009904, 18180250). Algorithms developed to predict the effect of sequence changes on RNA splicing suggest that this variant may disrupt the consensus splice site. For these reasons, this variant has been classified as Pathogenic.

Literature cited by the submitters: PubMed 16199547; PubMed 22678886; PubMed 10665486; PubMed 16009904; PubMed 18180250.